The following is an entry in ClinVar:

NM_007078.2(LDB3):c.-413A>G

Gene: LDB3 (LIM domain binding 3; plus strand). Cytogenetic location: 10q23.2.
Variant type: single nucleotide variant.
Coding change: c.-413A>G on transcript NM_007078.2; 413 bases upstream of the start codon, A replaced by G.
Molecular consequence: intron variant (on NM_001368064.1).
Genome position (GRCh38, 1-based): chr10:86,668,279, A>G. VCF-style: chr10-86668279-A-G. GRCh37 (hg19) VCF-style: chr10-88428036-A-G.
Other names: c.-23-390A>G (NM_001368064.1, NM_001368063.1, NM_001368068.1).
Identifiers: ClinVar variation 669632 (VCV000669632.3), dbSNP rs34073498, ClinGen allele CA13333591.

ClinVar aggregate classification (germline): Likely benign (1 of 4 stars; one submission).

Allele frequency attached by ClinVar (database versions not stated): 1000 Genomes Project 0.01438; TOPMed 0.02624; 1000 Genomes Project 30x 0.01405; gnomAD 0.03113 and 0.03015.
gnomAD v4.1: 4,603 of 152,260 alleles (3%); highest among the groups gnomAD compares: Non-Finnish European, 4.6%; 85 homozygotes.

Submission:

GeneDx
Classification: Likely benign. Last evaluated: 2018-06-14. Review status: criteria provided, single submitter. Criteria: GeneDx Variant Classification (06012015). Collection method: clinical testing. Allele origin: germline. Affected: yes.
Comment: This variant is considered likely benign or benign based on one or more of the following criteria: it is a conservative change, it occurs at a poorly conserved position in the protein, it is predicted to be benign by multiple in silico algorithms, and/or has population frequency not consistent with disease.